The following is an entry in ClinVar:

ClinVar aggregate classification (germline): Pathogenic (1 of 4 stars; one submission).

Conditions:
Myopathy, lactic acidosis, and sideroblastic anemia 2 (MLASA2). Identifiers: Orphanet 2598, MedGen C3150802, MONDO:0013307, OMIM 613561.

Submission:

Baylor Genetics
Classification: Pathogenic for Myopathy, lactic acidosis, and sideroblastic anemia 2. Last evaluated: 2014-04-01. Review status: criteria provided, single submitter. Criteria: Yang et al. 2013. Collection method: clinical testing. Allele origin: maternal. Inheritance: Autosomal recessive inheritance. Affected: yes. Observed: 1 variant allele, 1 compound heterozygote. Study: Adult_WES.

Literature cited by the submitters: PubMed 26633545.

NM_001040436.3(YARS2):c.359dup (p.Asp121fs)

Gene: YARS2 (tyrosyl-tRNA synthetase 2; minus strand). Cytogenetic location: 12p11.21.
Variant type: Duplication.
Coding change: c.359dup on transcript NM_001040436.3 (MANE Select); coding-DNA position 359, one base duplicated (G; older notation c.359dupG).
Protein change: p.Asp121fs; shifts the reading frame from aspartic acid 121.
Molecular consequence: frameshift variant.
Genome position (GRCh38, 1-based): chr12:32,755,516, C duplicated on the plus strand (G on the coding strand, the reverse complement: YARS2 is on the minus strand); the first of 3 consecutive C bases (chr12:32,755,516-32,755,518); duplicating any one gives the same sequence. VCF-style (leftmost placement, unchanged base first): chr12-32755515-T-TC. GRCh37 (hg19) VCF-style: chr12-32908449-T-TC.
Other names: short protein forms D121fs.
Identifiers: ClinVar variation 209208 (VCV000209208.2), dbSNP rs797045077, ClinGen allele CA250408.